The following is an entry in ClinVar:

NC_000003.12:g.(?_123682214)_(123682320_?)del

Gene: MYLK (myosin light chain kinase; minus strand). Cytogenetic location: 3q21.1.
Variant type: Deletion.
Identifiers: ClinVar variation 832578 (VCV000832578.1).

ClinVar aggregate classification (germline): Uncertain significance (1 of 4 stars; one submission).

Conditions:
Aortic aneurysm, familial thoracic 7 (AAT7). Also called: AORTIC DISSECTION, FAMILIAL, WITH OR WITHOUT AORTIC ANEURYSM. Identifiers: MedGen C3151077, MONDO:0013418, OMIM 613780.

Submission:

Labcorp Genetics (formerly Invitae), Labcorp
Classification: Uncertain significance for Aortic aneurysm, familial thoracic 7. Last evaluated: 2020-01-03. Review status: criteria provided, single submitter. Criteria: Invitae Variant Classification Sherloc (09022015). Collection method: clinical testing. Allele origin: germline.
Comment: This variant is an in-frame deletion of the genomic region encompassing exon 20 of the MYLK gene. It preserves the integrity of the reading frame. This variant has not been reported in the literature in individuals with MYLK-related disease. Experimental studies and prediction algorithms are not available for this variant, and the functional significance of the deleted amino acids is currently unknown. In summary, the available evidence is currently insufficient to determine the role of this variant in disease. Therefore, it has been classified as a Variant of Uncertain Significance.